The following is an entry in ClinVar:

NM_001023570.4(IQCB1):c.488-7C>G

Gene: IQCB1 (IQ motif containing B1; minus strand). Cytogenetic location: 3q13.33.
Variant type: single nucleotide variant.
Coding change: c.488-7C>G on transcript NM_001023570.4 (MANE Select); 7 bases into the intron before coding-DNA position 488, C replaced by G.
Molecular consequence: intron variant.
Genome position (GRCh38, 1-based): chr3:121,807,450, G>C on the plus strand (C>G on the coding strand, the complement: IQCB1 is on the minus strand). VCF-style: chr3-121807450-G-C. GRCh37 (hg19) VCF-style: chr3-121526297-G-C.
Other names: c.488-7C>G (NM_001023570.3, NM_001319107.2, NM_001023571.4).
Identifiers: ClinVar variation 1143173 (VCV001143173.10), dbSNP rs748749379, ClinGen allele CA2567391.

ClinVar aggregate classification (germline): Likely benign. Review status: criteria provided, multiple submitters, no conflicts (2 of 4 stars). 2 submissions from 2 submitters: Likely benign (2). Last evaluated 2025-06-24.

Conditions:
Nephronophthisis. Also called: Juvenile Nephronophthisis. Identifiers: Orphanet 655, MedGen C0687120, MONDO:0019005, HP:0000090.
IQCB1-related disorder. Also called: IQCB1-related condition.

Allele frequency attached by ClinVar (database versions not stated): gnomAD 0.00001; TOPMed 0.00002; ExAC 0.00003.
gnomAD v4.1: 19 of 1,316,802 alleles (0.0014%); highest among the groups gnomAD compares: Non-Finnish European, 0.002%; no homozygotes.

Submissions (2):

Labcorp Genetics (formerly Invitae), Labcorp
Classification: Likely benign for Nephronophthisis. Last evaluated: 2025-06-24. Review status: criteria provided, single submitter. Criteria: Invitae Variant Classification Sherloc (09022015). Collection method: clinical testing. Allele origin: germline.

PreventionGenetics, part of Exact Sciences
Classification: Likely benign for IQCB1-related condition. Last evaluated: 2025-03-18. Review status: criteria provided, single submitter. Criteria: ACMG Guidelines, 2015. Collection method: clinical testing. Allele origin: germline.
Comment: This variant is classified as likely benign based on ACMG/AMP sequence variant interpretation guidelines (Richards et al. 2015 PMID: 25741868, with internal and published modifications).